The following is an entry in ClinVar:

NM_003200.5(TCF3):c.437C>T (p.Thr146Ile)

Gene: TCF3 (transcription factor 3; minus strand). Cytogenetic location: 19p13.3.
Variant type: single nucleotide variant.
Coding change: c.437C>T on transcript NM_003200.5 (MANE Select); coding-DNA position 437, C replaced by T.
Protein change: p.Thr146Ile; replaces threonine 146 with isoleucine.
Molecular consequence: missense variant.
Genome position (GRCh38, 1-based): chr19:1,625,638, G>A on the plus strand (C>T on the coding strand, the complement: TCF3 is on the minus strand). VCF-style: chr19-1625638-G-A. GRCh37 (hg19) VCF-style: chr19-1625637-G-A.
Other names: c.437C>T, p.Thr146Ile (NM_001136139.4, NM_001351778.2, NM_001351779.2); short protein forms T146I.
Identifiers: ClinVar variation 1484416 (VCV001484416.9), dbSNP rs2146271548, ClinGen allele CA403057166.

ClinVar aggregate classification (germline): Uncertain significance. Review status: criteria provided, multiple submitters, no conflicts (2 of 4 stars). 2 submissions from 2 submitters: Uncertain significance (2). Last evaluated 2025-03-27.

Allele frequency attached by ClinVar (database versions not stated): gnomAD exomes below 0.00001.
gnomAD v4.1: 3 of 1,556,126 alleles (0.00019%); highest among the groups gnomAD compares: Non-Finnish European, 0.000086%; no homozygotes.

Submissions (2):

Labcorp Genetics (formerly Invitae), Labcorp
Classification: Uncertain significance. Last evaluated: 2025-03-27. Review status: criteria provided, single submitter. Criteria: Invitae Variant Classification Sherloc (09022015). Collection method: clinical testing. Allele origin: germline.
Comment: This sequence change replaces threonine, which is neutral and polar, with isoleucine, which is neutral and non-polar, at codon 146 of the TCF3 protein (p.Thr146Ile). This variant is not present in population databases (gnomAD no frequency). This variant has not been reported in the literature in individuals affected with TCF3-related conditions. ClinVar contains an entry for this variant (Variation ID: 1484416). Invitae Evidence Modeling of protein sequence and biophysical properties (such as structural, functional, and spatial information, amino acid conservation, physicochemical variation, residue mobility, and thermodynamic stability) indicates that this missense variant is not expected to disrupt TCF3 protein function with a negative predictive value of 80%. In summary, the available evidence is currently insufficient to determine the role of this variant in disease. Therefore, it has been classified as a Variant of Uncertain Significance.

Revvity Omics, Revvity
Classification: Uncertain significance. Last evaluated: 2022-06-01. Review status: criteria provided, single submitter. Criteria: ACMG Guidelines, 2015. Collection method: clinical testing. Allele origin: germline.